The following is an entry in ClinVar:

ClinVar aggregate classification (germline): Benign/Likely benign. Review status: criteria provided, multiple submitters, no conflicts (2 of 4 stars). 5 submissions from 5 submitters: Benign (2); Likely benign (3). Last evaluated 2025-05-08.

Conditions:
3-methylglutaconic aciduria with deafness, encephalopathy, and Leigh-like syndrome (MEGDEL). Also called: 3-METHYLGLUTACONIC ACIDURIA, TYPE VI; MEGDEL syndrome; SERAC1 Deficiency. Identifiers: Orphanet 352328, MedGen C4040739, MONDO:0013875, OMIM 614739.

Allele frequency attached by ClinVar (database versions not stated): gnomAD 0.00004 and 0.00007; gnomAD exomes 0.00005 and 0.00018; TOPMed 0.00008; ExAC 0.00016; 1000 Genomes Project 30x 0.00078; 1000 Genomes Project 0.00080.
gnomAD v4.1: 94 of 1,610,996 alleles (0.0058%); highest among the groups gnomAD compares: East Asian, 0.19%; no homozygotes.

Submissions (5):

Labcorp Genetics (formerly Invitae), Labcorp
Classification: Benign for 3-methylglutaconic aciduria with deafness, encephalopathy, and Leigh-like syndrome. Last evaluated: 2025-05-08. Review status: criteria provided, single submitter. Criteria: Invitae Variant Classification Sherloc (09022015). Collection method: clinical testing. Allele origin: germline.

Blueprint Genetics
Classification: Likely benign. Last evaluated: 2024-11-08. Review status: criteria provided, single submitter. Criteria: ACMG Guidelines, 2015. Collection method: clinical testing. Allele origin: germline.

CeGaT Center for Human Genetics Tuebingen
Classification: Likely benign. Last evaluated: 2023-01-01. Review status: criteria provided, single submitter. Criteria: CeGaT Center For Human Genetics Tuebingen Variant Classification Criteria Version 2. Collection method: clinical testing. Allele origin: germline. Affected: yes. Observed: 1 variant allele.
Comment: SERAC1: BP4, BP7

Genome-Nilou Lab
Classification: Benign for 3-methylglutaconic aciduria with deafness, encephalopathy, and Leigh-like syndrome. Last evaluated: 2022-03-15. Review status: criteria provided, single submitter. Criteria: ACMG Guidelines, 2015. Collection method: clinical testing. Allele origin: germline. Affected: no.

GeneDx
Classification: Likely benign. Last evaluated: 2017-09-22. Review status: criteria provided, single submitter. Criteria: GeneDx Variant Classification (06012015). Collection method: clinical testing. Allele origin: germline. Affected: yes.
Comment: This variant is considered likely benign or benign based on one or more of the following criteria: it is a conservative change, it occurs at a poorly conserved position in the protein, it is predicted to be benign by multiple in silico algorithms, and/or has population frequency not consistent with disease.

NM_032861.4(SERAC1):c.1152C>G (p.Pro384=)

Gene: SERAC1 (serine active site containing 1; minus strand). Cytogenetic location: 6q25.3.
Variant type: single nucleotide variant.
Coding change: c.1152C>G on transcript NM_032861.4 (MANE Select); coding-DNA position 1152, C replaced by G.
Protein change: p.Pro384=; no amino-acid change (proline 384 retained).
Molecular consequence: synonymous variant. On other transcripts: non-coding transcript variant (1).
Genome position (GRCh38, 1-based): chr6:158,120,439, G>C on the plus strand (C>G on the coding strand, the complement: SERAC1 is on the minus strand). VCF-style: chr6-158120439-G-C. GRCh37 (hg19) VCF-style: chr6-158541471-G-C.
Identifiers: ClinVar variation 511814 (VCV000511814.38), dbSNP rs201331072, ClinGen allele CA4071186.